The following is an entry in ClinVar:

NM_006445.4(PRPF8):c.17C>T (p.Pro6Leu)

Gene: PRPF8 (pre-mRNA processing factor 8; minus strand). Cytogenetic location: 17p13.3.
Variant type: single nucleotide variant.
Coding change: c.17C>T on transcript NM_006445.4 (MANE Select); coding-DNA position 17, C replaced by T.
Protein change: p.Pro6Leu; replaces proline 6 with leucine.
Molecular consequence: missense variant.
Genome position (GRCh38, 1-based): chr17:1,684,555, G>A on the plus strand (C>T on the coding strand, the complement: PRPF8 is on the minus strand). VCF-style: chr17-1684555-G-A. GRCh37 (hg19) VCF-style: chr17-1587849-G-A.
Other names: short protein forms P6L.
Identifiers: ClinVar variation 1305155 (VCV001305155.2), dbSNP rs2151133802, ClinGen allele CA397572555.

ClinVar aggregate classification (germline): Uncertain significance (1 of 4 stars; one submission).

gnomAD v4.1: 11 of 1,612,576 alleles (0.00068%); highest among the groups gnomAD compares: Non-Finnish European, 0.00093%; no homozygotes.

Submission:

GeneDx
Classification: Uncertain significance. Last evaluated: 2019-04-29. Review status: criteria provided, single submitter. Criteria: GeneDx Variant Classification Process June 2021. Collection method: clinical testing. Allele origin: germline. Affected: yes.
Comment: Not observed in large population cohorts (Lek et al., 2016); In silico analysis, which includes protein predictors and evolutionary conservation, supports that this variant does not alter protein structure/function; Has not been previously published as pathogenic or benign to our knowledge